The following is an entry in ClinVar:

ClinVar aggregate classification (germline): Benign/Likely benign. Review status: criteria provided, multiple submitters, no conflicts (2 of 4 stars). 4 submissions from 4 submitters: Benign (1); Likely benign (3). Last evaluated 2025-06-22.

Conditions:
Focal segmental glomerulosclerosis 5 (FSGS5). Identifiers: Orphanet 656, MedGen C2750475, MONDO:0013191, OMIM 613237.
Charcot-Marie-Tooth disease dominant intermediate E. Also called: CHARCOT-MARIE-TOOTH NEUROPATHY WITH FOCAL SEGMENTAL GLOMERULONEPHRITIS. Identifiers: Orphanet 93114, MedGen C4302667, MONDO:0013758, OMIM 614455.

Allele frequency attached by ClinVar (database versions not stated): gnomAD exomes 0.00005 and 0.00009; ExAC 0.00006; TOPMed 0.00008; gnomAD 0.00010 and 0.00013; 1000 Genomes Project 30x 0.00031; 1000 Genomes Project 0.00040.
gnomAD v4.1: 158 of 1,613,488 alleles (0.0098%); highest among the groups gnomAD compares: East Asian, 0.15%; no homozygotes.

Submissions (4):

Labcorp Genetics (formerly Invitae), Labcorp
Classification: Likely benign for Charcot-Marie-Tooth disease dominant intermediate E; Focal segmental glomerulosclerosis 5. Last evaluated: 2025-06-22. Review status: criteria provided, single submitter. Criteria: Invitae Variant Classification Sherloc (09022015). Collection method: clinical testing. Allele origin: germline.

Mayo Clinic Laboratories, Mayo Clinic
Classification: Likely benign. Last evaluated: 2025-05-21. Review status: criteria provided, single submitter. Criteria: ACMG Guidelines, 2015. Collection method: clinical testing. Allele origin: germline. Observed: 1 variant allele.
Comment: BP4, BP7

Fulgent Genetics
Classification: Likely benign for Focal segmental glomerulosclerosis 5; Charcot-Marie-Tooth disease dominant intermediate E. Last evaluated: 2021-08-04. Review status: criteria provided, single submitter. Criteria: ACMG Guidelines, 2015. Collection method: clinical testing. Allele origin: unknown.

Illumina Laboratory Services, Illumina
Classification: Benign for Focal segmental glomerulosclerosis 5. Last evaluated: 2018-01-13. Review status: criteria provided, single submitter. Criteria: ICSL Variant Classification Criteria 13 December 2019. Collection method: clinical testing. Allele origin: germline.
Comment: This variant was observed in the ICSL laboratory as part of a predisposition screen in an ostensibly healthy population. It had not been previously curated by ICSL or reported in the Human Gene Mutation Database (HGMD: prior to June 1st, 2018), and was therefore a candidate for classification through an automated scoring system. Utilizing variant allele frequency, disease prevalence and penetrance estimates, and inheritance mode, an automated score was calculated to assess if this variant is too frequent to cause the disease. Based on the score and internal cut-off values, a variant classified as benign is not then subjected to further curation. The score for this variant resulted in a classification of benign for this disease.

NM_022489.4(INF2):c.474C>T (p.His158=)

Gene: INF2 (inverted formin 2; plus strand). Cytogenetic location: 14q32.33.
Variant type: single nucleotide variant.
Coding change: c.474C>T on transcript NM_022489.4 (MANE Select); coding-DNA position 474, C replaced by T.
Protein change: p.His158=; no amino-acid change (histidine 158 retained).
Molecular consequence: synonymous variant.
Genome position (GRCh38, 1-based): chr14:104,703,187, C>T. VCF-style: chr14-104703187-C-T. GRCh37 (hg19) VCF-style: chr14-105169524-C-T.
Other names: p.His158=; c.474C>T, p.His158= (NM_001031714.4, NM_032714.3).
Identifiers: ClinVar variation 883383 (VCV000883383.15), dbSNP rs141172921, ClinGen allele CA7372303.